The following is an entry in ClinVar:

NM_001297.5(CNGB1):c.3135C>T (p.Asn1045=)

Gene: CNGB1 (cyclic nucleotide gated channel subunit beta 1; minus strand). Cytogenetic location: 16q21.
Variant type: single nucleotide variant.
Coding change: c.3135C>T on transcript NM_001297.5 (MANE Select); coding-DNA position 3135, C replaced by T.
Protein change: p.Asn1045=; no amino-acid change (asparagine 1045 retained).
Molecular consequence: synonymous variant.
Genome position (GRCh38, 1-based): chr16:57,897,504, G>A on the plus strand (C>T on the coding strand, the complement: CNGB1 is on the minus strand). VCF-style: chr16-57897504-G-A. GRCh37 (hg19) VCF-style: chr16-57931408-G-A.
Other names: c.3117C>T, p.Asn1039= (NM_001286130.2).
Identifiers: ClinVar variation 196673 (VCV000196673.18), dbSNP rs539304668, ClinGen allele CA202502.

ClinVar aggregate classification (germline): Conflicting classifications of pathogenicity. Review status: criteria provided, conflicting classifications (1 of 4 stars). 5 submissions from 5 submitters: Uncertain significance (1); Benign (1); Likely benign (3). Last evaluated 2026-01-31.

Conditions:
CNGB1-related disorder. Also called: CNGB1-related condition.
Retinitis pigmentosa (RP). Identifiers: Orphanet 791, MedGen C0035334, MeSH D012174, MONDO:0019200, OMIM 268000. Inheritance: Autosomal dominant, autosomal recessive and X linked inheritance.

Allele frequency attached by ClinVar (database versions not stated): TOPMed 0.00014; 1000 Genomes Project 0.00040; 1000 Genomes Project 30x 0.00062; gnomAD exomes 0.00075; ExAC 0.00085.
gnomAD v4.1: 542 of 1,614,124 alleles (0.034%); highest among the groups gnomAD compares: South Asian, 0.48%; 3 homozygotes.

Submissions (5):

Labcorp Genetics (formerly Invitae), Labcorp
Classification: Benign. Last evaluated: 2026-01-31. Review status: criteria provided, single submitter. Criteria: Invitae Variant Classification Sherloc (09022015). Collection method: clinical testing. Allele origin: germline.

PreventionGenetics, part of Exact Sciences
Classification: Likely benign for CNGB1-related condition. Last evaluated: 2026-01-29. Review status: criteria provided, single submitter. Criteria: ACMG Guidelines, 2015. Collection method: clinical testing. Allele origin: germline.
Comment: This variant is classified as likely benign based on ACMG/AMP sequence variant interpretation guidelines (Richards et al. 2015 PMID: 25741868, with internal and published modifications).

Blueprint Genetics
Classification: Likely benign. Last evaluated: 2024-10-24. Review status: criteria provided, single submitter. Criteria: ACMG Guidelines, 2015. Collection method: clinical testing. Allele origin: germline.

Illumina Laboratory Services, Illumina
Classification: Uncertain significance for Retinitis pigmentosa. Last evaluated: 2018-01-13. Review status: criteria provided, single submitter. Criteria: ICSL Variant Classification Criteria 13 December 2019. Collection method: clinical testing. Allele origin: germline.

Eurofins Ntd Llc (ga)
Classification: Likely benign. Last evaluated: 2015-03-16. Review status: criteria provided, single submitter. Criteria: EGL Classification Definitions 2015. Collection method: clinical testing. Allele origin: germline. Observed: 1 variant allele, 1 heterozygote.